The following is an entry in ClinVar:

ClinVar aggregate classification (germline): Uncertain significance. Review status: criteria provided, multiple submitters, no conflicts (2 of 4 stars). 2 submissions from 2 submitters: Uncertain significance (2). Last evaluated 2025-10-12.

Conditions:
Inborn genetic diseases. Identifiers: MedGen C0950123, MeSH D030342.

Allele frequency attached by ClinVar (database versions not stated): gnomAD 0.00001; TOPMed 0.00003; ExAC 0.00005; gnomAD exomes 0.00005; ESP Exome Variant Server 0.00015.
gnomAD v4.1: 68 of 1,613,806 alleles (0.0042%); highest among the groups gnomAD compares: South Asian, 0.012%; 1 homozygote.

Submissions (2):

Labcorp Genetics (formerly Invitae), Labcorp
Classification: Uncertain significance. Last evaluated: 2025-10-12. Review status: criteria provided, single submitter. Criteria: Invitae Variant Classification Sherloc (09022015). Collection method: clinical testing. Allele origin: germline.
Comment: This sequence change replaces alanine, which is neutral and non-polar, with threonine, which is neutral and polar, at codon 314 of the CSF2RB protein (p.Ala314Thr). This variant is present in population databases (rs375783135, gnomAD 0.02%). This variant has not been reported in the literature in individuals affected with CSF2RB-related conditions. ClinVar contains an entry for this variant (Variation ID: 2415296). Invitae Evidence Modeling of protein sequence and biophysical properties (such as structural, functional, and spatial information, amino acid conservation, physicochemical variation, residue mobility, and thermodynamic stability) indicates that this missense variant is not expected to disrupt CSF2RB protein function with a negative predictive value of 80%. In summary, the available evidence is currently insufficient to determine the role of this variant in disease. Therefore, it has been classified as a Variant of Uncertain Significance.

Ambry Genetics
Classification: Uncertain significance for Inborn genetic diseases. Last evaluated: 2025-08-09. Review status: criteria provided, single submitter. Criteria: Ambry Variant Classification Scheme 2023. Collection method: clinical testing. Allele origin: germline.

NM_000395.3(CSF2RB):c.940G>A (p.Ala314Thr)

Gene: CSF2RB (colony stimulating factor 2 receptor subunit beta; plus strand). Cytogenetic location: 22q12.3.
Variant type: single nucleotide variant.
Coding change: c.940G>A on transcript NM_000395.3 (MANE Select); coding-DNA position 940, G replaced by A.
Protein change: p.Ala314Thr; replaces alanine 314 with threonine.
Molecular consequence: missense variant.
Genome position (GRCh38, 1-based): chr22:36,930,758, G>A. VCF-style: chr22-36930758-G-A. GRCh37 (hg19) VCF-style: chr22-37326800-G-A.
Other names: c.958G>A, p.Ala320Thr (NM_001410827.1); c.940G>A (NM_000395.2); short protein forms A314T, A320T.
Identifiers: ClinVar variation 2415296 (VCV002415296.7), dbSNP rs375783135, ClinGen allele CA10213650.